The following is an entry in ClinVar:

NM_014425.5(INVS):c.1547A>G (p.Asn516Ser)

Gene: INVS (inversin; plus strand). Cytogenetic location: 9q31.1.
Variant type: single nucleotide variant.
Coding change: c.1547A>G on transcript NM_014425.5 (MANE Select); coding-DNA position 1547, A replaced by G.
Protein change: p.Asn516Ser; replaces asparagine 516 with serine.
Molecular consequence: missense variant. On other transcripts: non-coding transcript variant (1).
Genome position (GRCh38, 1-based): chr9:100,264,904, A>G. VCF-style: chr9-100264904-A-G. GRCh37 (hg19) VCF-style: chr9-103027186-A-G.
Other names: c.1259A>G, p.Asn420Ser (NM_001318381.2); c.569A>G, p.Asn190Ser (NM_001318382.2); short protein forms N516S, N420S, N190S.
Identifiers: ClinVar variation 2196575 (VCV002196575.1), dbSNP rs1564182819, ClinGen allele CA374236655.

ClinVar aggregate classification (germline): Uncertain significance (1 of 4 stars; one submission).

Conditions:
Nephronophthisis. Also called: Juvenile Nephronophthisis. Identifiers: Orphanet 655, MedGen C0687120, MONDO:0019005, HP:0000090.

Allele frequency attached by ClinVar (database versions not stated): gnomAD exomes below 0.00001.
gnomAD v4.1: 2 of 1,611,830 alleles (0.00012%); highest among the groups gnomAD compares: Admixed American, 0.0017%; no homozygotes.

Submission:

Labcorp Genetics (formerly Invitae), Labcorp
Classification: Uncertain significance for Nephronophthisis. Last evaluated: 2022-07-13. Review status: criteria provided, single submitter. Criteria: Invitae Variant Classification Sherloc (09022015). Collection method: clinical testing. Allele origin: germline.
Comment: This sequence change replaces asparagine, which is neutral and polar, with serine, which is neutral and polar, at codon 516 of the INVS protein (p.Asn516Ser). This variant is not present in population databases (gnomAD no frequency). This variant has not been reported in the literature in individuals affected with INVS-related conditions. Algorithms developed to predict the effect of missense changes on protein structure and function are either unavailable or do not agree on the potential impact of this missense change (SIFT: "Deleterious"; PolyPhen-2: "Probably Damaging"; Align-GVGD: "Class C0"). In summary, the available evidence is currently insufficient to determine the role of this variant in disease. Therefore, it has been classified as a Variant of Uncertain Significance.